The following is an entry in ClinVar:

NM_001077350.3(NPRL3):c.1161+5G>A

Genes: HBA-LCR (alpha-globin locus control region; plus strand), NPRL3 (NPR3 like, GATOR1 complex subunit; minus strand). Cytogenetic location: 16p13.3.
Variant type: single nucleotide variant.
Coding change: c.1161+5G>A on transcript NM_001077350.3 (MANE Select); 5 bases into the intron after coding-DNA position 1161, G replaced by A.
Molecular consequence: intron variant.
Genome position (GRCh38, 1-based): chr16:92,591, C>T on the plus strand (G>A on the coding strand, the complement: NPRL3 is on the minus strand). VCF-style: chr16-92591-C-T. GRCh37 (hg19) VCF-style: chr16-142589-C-T.
Other names: c.927+5G>A (NM_001243247.2); c.1086+5G>A (NM_001243248.2, NM_001243249.2); c.624+5G>A (NM_001039476.3).
Identifiers: ClinVar variation 2808098 (VCV002808098.3), dbSNP rs1196321634, ClinGen allele CA2739269801.

ClinVar aggregate classification (germline): Uncertain significance (1 of 4 stars; one submission).

Conditions:
Epilepsy, familial focal, with variable foci 3 (FFEVF3). Identifiers: MedGen C4310708, MONDO:0014925, OMIM 617118.

Submission:

Labcorp Genetics (formerly Invitae), Labcorp
Classification: Uncertain significance for Epilepsy, familial focal, with variable foci 3. Last evaluated: 2022-12-06. Review status: criteria provided, single submitter. Criteria: Invitae Variant Classification Sherloc (09022015). Collection method: clinical testing. Allele origin: germline.
Comment: This sequence change falls in intron 11 of the NPRL3 gene. It does not directly change the encoded amino acid sequence of the NPRL3 protein. It affects a nucleotide within the consensus splice site. This variant is not present in population databases (gnomAD no frequency). This variant has not been reported in the literature in individuals affected with NPRL3-related conditions. Variants that disrupt the consensus splice site are a relatively common cause of aberrant splicing (PMID: 17576681, 9536098). Algorithms developed to predict the effect of sequence changes on RNA splicing suggest that this variant may disrupt the consensus splice site. In summary, the available evidence is currently insufficient to determine the role of this variant in disease. Therefore, it has been classified as a Variant of Uncertain Significance.

Literature cited by the submitters: PubMed 17576681; PubMed 9536098.